The following is an entry in ClinVar:

ClinVar aggregate classification (germline): Conflicting classifications of pathogenicity. Review status: criteria provided, conflicting classifications (1 of 4 stars). 2 submissions from 2 submitters: Uncertain significance (1); Likely benign (1). Last evaluated 2025-10-13.

Conditions:
Hereditary cancer-predisposing syndrome. Also called: Tumor predisposition; Neoplastic Syndromes, Hereditary; Hereditary Cancer Syndrome; Hereditary neoplastic syndrome. Identifiers: Orphanet 140162, MedGen C0027672, MeSH D009386, MONDO:0015356.
Ataxia-telangiectasia syndrome (AT). Also called: LOUIS-BAR SYNDROME; Cerebello-oculocutaneous telangiectasia; Immunodeficiency with ataxia telangiectasia; Ataxia-telangiectasia, complementation group D; AT, COMPLEMENTATION GROUP C; ATAXIA-TELANGIECTASIA, COMPLEMENTATION GROUP A. Identifiers: Orphanet 100, MedGen C0004135, MONDO:0008840, OMIM 208900.

Allele frequency attached by ClinVar (database versions not stated): gnomAD exomes below 0.00001.
gnomAD v4.1: 2 of 1,614,158 alleles (0.00012%); highest among the groups gnomAD compares: Non-Finnish European, 0.00017%; no homozygotes.

Submissions (2):

Labcorp Genetics (formerly Invitae), Labcorp
Classification: Uncertain significance for Ataxia-telangiectasia syndrome. Last evaluated: 2025-10-13. Review status: criteria provided, single submitter. Criteria: Invitae Variant Classification Sherloc (09022015). Collection method: clinical testing. Allele origin: germline.
Comment: This sequence change replaces valine, which is neutral and non-polar, with isoleucine, which is neutral and non-polar, at codon 462 of the ATM protein (p.Val462Ile). This variant is not present in population databases (gnomAD no frequency). This variant has not been reported in the literature in individuals affected with ATM-related conditions. ClinVar contains an entry for this variant (Variation ID: 1771360). Invitae Evidence Modeling of protein sequence and biophysical properties (such as structural, functional, and spatial information, amino acid conservation, physicochemical variation, residue mobility, and thermodynamic stability) indicates that this missense variant is not expected to disrupt ATM protein function with a negative predictive value of 95%. In summary, the available evidence is currently insufficient to determine the role of this variant in disease. Therefore, it has been classified as a Variant of Uncertain Significance.

Ambry Genetics
Classification: Likely benign for Hereditary cancer-predisposing syndrome. Last evaluated: 2025-05-13. Review status: criteria provided, single submitter. Criteria: Ambry Variant Classification Scheme 2023. Collection method: clinical testing. Allele origin: germline.

NM_000051.4(ATM):c.1384G>A (p.Val462Ile)

Gene: ATM (ATM serine/threonine kinase; plus strand). Cytogenetic location: 11q22.3.
Variant type: single nucleotide variant.
Coding change: c.1384G>A on transcript NM_000051.4 (MANE Select); coding-DNA position 1384, G replaced by A.
Protein change: p.Val462Ile; replaces valine 462 with isoleucine.
Molecular consequence: missense variant.
Genome position (GRCh38, 1-based): chr11:108,250,849, G>A. VCF-style: chr11-108250849-G-A. GRCh37 (hg19) VCF-style: chr11-108121576-G-A.
Other names: c.1384G>A, p.Val462Ile (NM_001351834.2); short protein forms V462I.
Identifiers: ClinVar variation 1771360 (VCV001771360.3), dbSNP rs2135320961, ClinGen allele CA382533872.
Genomic context (GRCh38, chr11:108,250,849, plus strand): 5'-CTTCTACCCCAACAGCGACATGGGGAACGTACACCATATGTGTTACGATGCCTTACGGAA[G>A]TTGCATTGTGTCAAGACAAGAGGTCAAACCTAGAAAGCTCACAAAAGTCAGATTTATTAA-3'
Protein context (NP_000042.3, residues 452-472): TPYVLRCLTE[Val462Ile]ALCQDKRSNL